The following is an entry in ClinVar:

ClinVar aggregate classification (germline): Conflicting classifications of pathogenicity. Review status: criteria provided, conflicting classifications (1 of 4 stars). 4 submissions from 4 submitters: Likely pathogenic (1); Uncertain significance (3). Last evaluated 2026-01-20.

Conditions:
Usher syndrome type 1 (USH1). Also called: RETINITIS PIGMENTOSA AND CONGENITAL DEAFNESS. Identifiers: Orphanet 231169, Orphanet 886, MedGen C1568247, MONDO:0010168, OMIM 276900.
Autosomal recessive nonsyndromic hearing loss 2. Also called: DEAFNESS, AUTOSOMAL RECESSIVE 2; NEUROSENSORY NONSYNDROMIC RECESSIVE DEAFNESS 2. Identifiers: Orphanet 90636, MedGen C1838701, MONDO:0010807, OMIM 600060.
Autosomal dominant nonsyndromic hearing loss 11. Identifiers: Orphanet 90635, MedGen C1832475, MONDO:0011032, OMIM 601317.

Allele frequency attached by ClinVar (database versions not stated): gnomAD 0.00001; gnomAD exomes 0.00001; TOPMed 0.00002; ExAC 0.00003.
gnomAD v4.1: 9 of 1,608,694 alleles (0.00056%); highest among the groups gnomAD compares: East Asian, 0.013%; no homozygotes.

Submissions (4):

Myriad Genetics, Inc.
Classification: Uncertain significance for Usher syndrome type 1. Last evaluated: 2026-01-20. Review status: criteria provided, single submitter. Criteria: Myriad Autosomal Dominant, Autosomal Recessive and X-Linked Classification Criteria (2023). Collection method: clinical testing. Allele origin: unknown.
Comment: NM_000260.3(MYO7A):c.310G>A(A104T) is a missense variant classified as a variant of uncertain significance in the context of MYO7A-related disorders. A104T has not been observed in cases with relevant disease. Relevant functional assessments of this variant are not available in the literature. A104T has been observed in referenced population frequency databases. In summary, there is insufficient evidence to classify NM_000260.3(MYO7A):c.310G>A(A104T) as pathogenic or benign. Please note: this variant was assessed in the context of healthy population screening.

Institute of Rare Diseases, West China Hospital, Sichuan University
Classification: Likely pathogenic for Autosomal recessive nonsyndromic hearing loss 2. Last evaluated: 2025-01-09. Review status: criteria provided, single submitter. Criteria: ClinGen HL ACMG Specifications v1. Collection method: research. Allele origin: germline. Affected: yes.
Comment: PM3_Strong;PM2_Supporting;PP3

Labcorp Genetics (formerly Invitae), Labcorp
Classification: Uncertain significance. Last evaluated: 2022-09-06. Review status: criteria provided, single submitter. Criteria: Invitae Variant Classification Sherloc (09022015). Collection method: clinical testing. Allele origin: germline.
Comment: This sequence change replaces alanine, which is neutral and non-polar, with threonine, which is neutral and polar, at codon 104 of the MYO7A protein (p.Ala104Thr). This variant is present in population databases (rs374967010, gnomAD 0.006%). This variant has not been reported in the literature in individuals affected with MYO7A-related conditions. ClinVar contains an entry for this variant (Variation ID: 1519241). Algorithms developed to predict the effect of missense changes on protein structure and function are either unavailable or do not agree on the potential impact of this missense change (SIFT: "Deleterious"; PolyPhen-2: "Benign"; Align-GVGD: "Class C0"). In summary, the available evidence is currently insufficient to determine the role of this variant in disease. Therefore, it has been classified as a Variant of Uncertain Significance.

Victorian Clinical Genetics Services, Murdoch Childrens Research Institute
Classification: Uncertain significance for Autosomal dominant nonsyndromic hearing loss 11. Last evaluated: 2020-10-19. Review status: criteria provided, single submitter. Criteria: ACMG Guidelines, 2015. Collection method: clinical testing. Allele origin: germline.
Comment: Based on the classification scheme VCGS_Germline_v1.3.4, this variant is classified as 3B-VUS. Following criteria are met: 0102 - Loss of function is a known mechanism of disease in this gene and is associated with deafness. (I) 0108 - This gene is associated with both recessive and dominant disease. Inheritance is usually recessive, however some rare cases of dominant deafness have been reported (OMIM). (I) 0200 - Variant is predicted to result in a missense amino acid change from alanine to threonine. (I) 0251 - This variant is heterozygous. (I) 0304 - Variant is present in gnomAD (v2) <0.01 for a recessive condition (2 heterozygotes, 0 homozygotes). (SP) 0501 - Missense variant consistently predicted to be damaging by multiple in silico tools or highly conserved with a major amino acid change. (SP) 0600 - Variant is located in the annotated myosin head motor domain (NCBI, PDB). (I) 0705 - No comparable missense variants have previous evidence for pathogenicity. (I) 0807 - This variant has no previous evidence of pathogenicity. (I) 0905 - No published segregation evidence has been identified for this variant. (I) 1007 - No published functional evidence has been identified for this variant. (I) 1208 - Inheritance information for this variant is not currently available in this individual. (I) Legend: (SP) - Supporting pathogenic, (I) - Information, (SB) - Supporting benign

NM_000260.4(MYO7A):c.310G>A (p.Ala104Thr)

Gene: MYO7A (myosin VIIA; plus strand). Cytogenetic location: 11q13.5.
Variant type: single nucleotide variant.
Coding change: c.310G>A on transcript NM_000260.4 (MANE Select); coding-DNA position 310, G replaced by A.
Protein change: p.Ala104Thr; replaces alanine 104 with threonine.
Molecular consequence: missense variant.
Genome position (GRCh38, 1-based): chr11:77,155,931, G>A. VCF-style: chr11-77155931-G-A. GRCh37 (hg19) VCF-style: chr11-76866977-G-A.
Other names: c.310G>A, p.Ala104Thr (NM_001127180.2); c.277G>A, p.Ala93Thr (NM_001369365.1); c.310G>A (NM_000260.3); short protein forms A104T, A93T.
Identifiers: ClinVar variation 1519241 (VCV001519241.6), dbSNP rs374967010, ClinGen allele CA6197102.